The following is an entry in ClinVar:

NM_000188.3(HK1):c.2609+3G>C

Gene: HK1 (hexokinase 1; plus strand). Cytogenetic location: 10q22.1.
Variant type: single nucleotide variant.
Coding change: c.2609+3G>C on transcript NM_000188.3 (MANE Select); 3 bases into the intron after coding-DNA position 2609, G replaced by C.
Molecular consequence: intron variant.
Genome position (GRCh38, 1-based): chr10:69,398,831, G>C. VCF-style: chr10-69398831-G-C. GRCh37 (hg19) VCF-style: chr10-71158587-G-C.
Other names: c.2573+3G>C (NM_033500.2); c.2714+3G>C (NM_001322365.2); c.2621+3G>C (NM_033498.3, NM_033497.3, NM_001322364.2 and 1 more transcripts); c.2606+3G>C (NM_033496.3); c.2525+3G>C (NM_001322366.1); c.2513+3G>C (NM_001322367.1).
Identifiers: ClinVar variation 1361150 (VCV001361150.6), dbSNP rs2132975233, ClinGen allele CA2573145390.
Genomic context (GRCh38, chr10:69,398,831, plus strand): 5'-TGGACCGTCTGAATGTGACTGTGGGAGTGGACGGGACACTCTACAAGCTTCATCCACAGT[G>C]AGTGGGCCTTCCAGTTGGGATGCGCAGAGCTTGCTGGGATCCCTTTGGGTTAGGGGGTAT-3'

ClinVar aggregate classification (germline): Uncertain significance (1 of 4 stars; one submission).

Submission:

Labcorp Genetics (formerly Invitae), Labcorp
Classification: Uncertain significance. Last evaluated: 2022-10-13. Review status: criteria provided, single submitter. Criteria: Invitae Variant Classification Sherloc (09022015). Collection method: clinical testing. Allele origin: germline.
Comment: In summary, the available evidence is currently insufficient to determine the role of this variant in disease. Therefore, it has been classified as a Variant of Uncertain Significance. Variants that disrupt the consensus splice site are a relatively common cause of aberrant splicing (PMID: 17576681, 9536098). Algorithms developed to predict the effect of sequence changes on RNA splicing suggest that this variant may disrupt the consensus splice site. This variant has not been reported in the literature in individuals affected with HK1-related conditions. This variant is not present in population databases (gnomAD no frequency). This sequence change falls in intron 17 of the HK1 gene. It does not directly change the encoded amino acid sequence of the HK1 protein. It affects a nucleotide within the consensus splice site.

Literature cited by the submitters: PubMed 17576681; PubMed 9536098.